The following is an entry in ClinVar:

NM_020433.5(JPH2):c.1855C>G (p.Pro619Ala)

Gene: JPH2 (junctophilin 2; minus strand). Cytogenetic location: 20q13.12.
Variant type: single nucleotide variant.
Coding change: c.1855C>G on transcript NM_020433.5 (MANE Select); coding-DNA position 1855, C replaced by G.
Protein change: p.Pro619Ala; replaces proline 619 with alanine.
Molecular consequence: missense variant.
Genome position (GRCh38, 1-based): chr20:44,115,820, G>C on the plus strand (C>G on the coding strand, the complement: JPH2 is on the minus strand). VCF-style: chr20-44115820-G-C. GRCh37 (hg19) VCF-style: chr20-42744460-G-C.
Other names: short protein forms P619A.
Identifiers: ClinVar variation 3227382 (VCV003227382.2), dbSNP rs749196483, ClinGen allele CA9868583.

ClinVar aggregate classification (germline): Uncertain significance (1 of 4 stars; one submission).

Conditions:
Cardiovascular phenotype. Identifiers: MedGen CN230736.

Allele frequency attached by ClinVar (database versions not stated): ExAC 0.00001; gnomAD 0.00001; TOPMed 0.00001.
gnomAD v4.1: 12 of 1,602,580 alleles (0.00075%); highest among the groups gnomAD compares: African/African-American, 0.0027%; no homozygotes.

Submission:

Ambry Genetics
Classification: Uncertain significance for Cardiovascular phenotype. Last evaluated: 2025-09-25. Review status: criteria provided, single submitter. Criteria: Ambry Variant Classification Scheme 2023. Collection method: clinical testing. Allele origin: germline.
Comment: The p.P619A variant (also known as c.1855C>G), located in coding exon 4 of the JPH2 gene, results from a C to G substitution at nucleotide position 1855. The proline at codon 619 is replaced by alanine, an amino acid with highly similar properties. This amino acid position is conserved. In addition, this alteration is predicted to be tolerated by in silico analysis. Since supporting evidence is limited at this time, the clinical significance of this alteration remains unclear.